The following is an entry in ClinVar:

ClinVar aggregate classification (germline): Uncertain significance (1 of 4 stars; one submission).

gnomAD v4.1: 2 of 1,596,734 alleles (0.00013%); highest among the groups gnomAD compares: Non-Finnish European, 0.000086%; no homozygotes.

Submission:

Ambry Genetics
Classification: Uncertain significance. Last evaluated: 2025-05-07. Review status: criteria provided, single submitter. Criteria: Ambry Variant Classification Scheme 2023. Collection method: clinical testing. Allele origin: germline.
Comment: The p.H412R variant (also known as c.1235A>G), located in coding exon 11 of the GEN1 gene, results from an A to G substitution at nucleotide position 1235. The histidine at codon 412 is replaced by arginine, an amino acid with highly similar properties. This amino acid position is conserved. In addition, this alteration is predicted to be tolerated by in silico analysis. Based on the available evidence, the clinical significance of this variant remains unclear.

NM_001130009.3(GEN1):c.1235A>G (p.His412Arg)

Gene: GEN1 (GEN1 Holliday junction 5' flap endonuclease; plus strand). Cytogenetic location: 2p24.2.
Variant type: single nucleotide variant.
Coding change: c.1235A>G on transcript NM_001130009.3 (MANE Select); coding-DNA position 1235, A replaced by G.
Protein change: p.His412Arg; replaces histidine 412 with arginine.
Molecular consequence: missense variant.
Genome position (GRCh38, 1-based): chr2:17,778,034, A>G. VCF-style: chr2-17778034-A-G. GRCh37 (hg19) VCF-style: chr2-17959301-A-G.
Other names: c.1235A>G, p.His412Arg (NM_182625.5); short protein forms H412R.
Identifiers: ClinVar variation 4029278 (VCV004029278.1).